The following is an entry in ClinVar:

NM_001848.3(COL6A1):c.1855G>C (p.Val619Leu)

Gene: COL6A1 (collagen type VI alpha 1 chain; plus strand). Cytogenetic location: 21q22.3.
Variant type: single nucleotide variant.
Coding change: c.1855G>C on transcript NM_001848.3 (MANE Select); coding-DNA position 1855, G replaced by C.
Protein change: p.Val619Leu; replaces valine 619 with leucine.
Molecular consequence: missense variant.
Genome position (GRCh38, 1-based): chr21:46,001,285, G>C. VCF-style: chr21-46001285-G-C. GRCh37 (hg19) VCF-style: chr21-47421199-G-C.
Other names: short protein forms V619L.
Identifiers: ClinVar variation 3701160 (VCV003701160.2).
Genomic context (GRCh38, chr21:46,001,285, plus strand): 5'-GCTCTGCTGACACCGCCCCCGCCTGCAGAATGCAAGTGCGGCCCCATCGACCTCCTGTTC[G>C]TGCTGGACAGCTCAGAGAGCATTGGCCTGCAGAACTTCGAGATTGCCAAGGACTTCGTCG-3'
Protein context (NP_001839.2, residues 609-629): CKCGPIDLLF[Val619Leu]LDSSESIGLQ

ClinVar aggregate classification (germline): Uncertain significance (1 of 4 stars; one submission).

Conditions:
Bethlem myopathy 1A. Also called: MYOPATHY, BENIGN CONGENITAL, WITH CONTRACTURES; Bethlem myopathy 1; Bethlem Muscular Dystrophy. Identifiers: Orphanet 610, MedGen CN029274, MONDO:0024530, OMIM 158810.

gnomAD v4.1: 2 of 1,611,710 alleles (0.00012%); highest among the groups gnomAD compares: Non-Finnish European, 0.00017%; no homozygotes.

Submission:

Labcorp Genetics (formerly Invitae), Labcorp
Classification: Uncertain significance for Bethlem myopathy 1A. Last evaluated: 2025-01-17. Review status: criteria provided, single submitter. Criteria: Invitae Variant Classification Sherloc (09022015). Collection method: clinical testing. Allele origin: germline.
Comment: This sequence change replaces valine, which is neutral and non-polar, with leucine, which is neutral and non-polar, at codon 619 of the COL6A1 protein (p.Val619Leu). This variant is present in population databases (no rsID available, gnomAD 0.0009%). This variant has not been reported in the literature in individuals affected with COL6A1-related conditions. Invitae Evidence Modeling of protein sequence and biophysical properties (such as structural, functional, and spatial information, amino acid conservation, physicochemical variation, residue mobility, and thermodynamic stability) indicates that this missense variant is not expected to disrupt COL6A1 protein function with a negative predictive value of 95%. In summary, the available evidence is currently insufficient to determine the role of this variant in disease. Therefore, it has been classified as a Variant of Uncertain Significance.